The following is an entry in ClinVar:

ClinVar aggregate classification (germline): Benign/Likely benign. Review status: criteria provided, multiple submitters, no conflicts (2 of 4 stars). 7 submissions from 7 submitters: Benign (2); Likely benign (5). Last evaluated 2025-12-15.

Conditions:
Focal segmental glomerulosclerosis 2 (FSGS2). Identifiers: Orphanet 656, MedGen C1858915, MONDO:0011390, OMIM 603965.

Allele frequency attached by ClinVar (database versions not stated): ESP Exome Variant Server 0.00023; gnomAD 0.00027 and 0.00029; ExAC 0.00032; gnomAD exomes 0.00035 and 0.00041; TOPMed 0.00037.
gnomAD v4.1: 549 of 1,613,998 alleles (0.034%); highest among the groups gnomAD compares: Admixed American, 0.08%; 1 homozygote.

Submissions (7):

Labcorp Genetics (formerly Invitae), Labcorp
Classification: Likely benign. Last evaluated: 2025-12-15. Review status: criteria provided, single submitter. Criteria: Invitae Variant Classification Sherloc (09022015). Collection method: clinical testing. Allele origin: germline.

Blueprint Genetics
Classification: Likely benign. Last evaluated: 2024-11-15. Review status: criteria provided, single submitter. Criteria: ACMG Guidelines, 2015. Collection method: clinical testing. Allele origin: germline.

Fulgent Genetics
Classification: Likely benign for Focal segmental glomerulosclerosis 2. Last evaluated: 2022-01-19. Review status: criteria provided, single submitter. Criteria: ACMG Guidelines, 2015. Collection method: clinical testing. Allele origin: unknown.

Athena Diagnostics
Classification: Benign. Last evaluated: 2019-12-27. Review status: criteria provided, single submitter. Criteria: Athena Diagnostics Criteria. Collection method: clinical testing. Allele origin: unknown.

Illumina Laboratory Services, Illumina
Classification: Benign for Focal segmental glomerulosclerosis 2. Last evaluated: 2017-04-27. Review status: criteria provided, single submitter. Criteria: ICSL Variant Classification Criteria 13 December 2019. Collection method: clinical testing. Allele origin: germline.
Comment: This variant was observed as part of a predisposition screen in an ostensibly healthy population. A literature search was performed for the gene, cDNA change, and amino acid change (where applicable). Publications were found based on this search. The evidence from the literature, in combination with allele frequency data from public databases where available, was sufficient to rule this variant out of causing disease. Therefore, this variant is classified as benign.

Breakthrough Genomics
Classification: Likely benign. Review status: criteria provided, single submitter. Criteria: ACMG Guidelines, 2015. Collection method: not provided. Allele origin: germline. Inheritance: Autosomal dominant inheritance. Affected: yes.

PreventionGenetics, part of Exact Sciences
Classification: Likely benign. Review status: criteria provided, single submitter. Criteria: ACMG Guidelines, 2015. Collection method: clinical testing. Allele origin: germline.

Literature cited by the submitters: PubMed 25019165 (cited by Athena Diagnostics and Illumina Laboratory Services, Illumina); PubMed 22980509 (cited by Athena Diagnostics and Illumina Laboratory Services, Illumina); PubMed 2298509 (cited by Illumina Laboratory Services, Illumina).

NM_004621.6(TRPC6):c.888G>A (p.Thr296=)

Gene: TRPC6 (transient receptor potential cation channel subfamily C member 6; minus strand). Cytogenetic location: 11q22.1.
Variant type: single nucleotide variant.
Coding change: c.888G>A on transcript NM_004621.6 (MANE Select); coding-DNA position 888, G replaced by A.
Protein change: p.Thr296=; no amino-acid change (threonine 296 retained).
Molecular consequence: synonymous variant.
Genome position (GRCh38, 1-based): chr11:101,504,081, C>T on the plus strand (G>A on the coding strand, the complement: TRPC6 is on the minus strand). VCF-style: chr11-101504081-C-T. GRCh37 (hg19) VCF-style: chr11-101374812-C-T.
Identifiers: ClinVar variation 259464 (VCV000259464.18), dbSNP rs144891994, ClinGen allele CA6244454.